The following is an entry in ClinVar:

ClinVar aggregate classification (germline): Uncertain significance (1 of 4 stars; one submission).

Allele frequency attached by ClinVar (database versions not stated): TOPMed 0.00001; ExAC 0.00004.

Submission:

Labcorp Genetics (formerly Invitae), Labcorp
Classification: Uncertain significance. Last evaluated: 2024-03-20. Review status: criteria provided, single submitter. Criteria: Invitae Variant Classification Sherloc (09022015). Collection method: clinical testing. Allele origin: germline.
Comment: This sequence change replaces serine, which is neutral and polar, with glycine, which is neutral and non-polar, at codon 414 of the GATA3 protein (p.Ser414Gly). This variant is present in population databases (rs751362056, gnomAD 0.02%). This variant has not been reported in the literature in individuals affected with GATA3-related conditions. An algorithm developed to predict the effect of missense changes on protein structure and function (PolyPhen-2) suggests that this variant is likely to be tolerated. In summary, the available evidence is currently insufficient to determine the role of this variant in disease. Therefore, it has been classified as a Variant of Uncertain Significance.

NM_001002295.2(GATA3):c.1240A>G (p.Ser414Gly)

Gene: GATA3 (GATA binding protein 3; plus strand). Cytogenetic location: 10p14.
Variant type: single nucleotide variant.
Coding change: c.1240A>G on transcript NM_001002295.2 (MANE Select); coding-DNA position 1240, A replaced by G.
Protein change: p.Ser414Gly; replaces serine 414 with glycine.
Molecular consequence: missense variant.
Genome position (GRCh38, 1-based): chr10:8,073,928, A>G. VCF-style: chr10-8073928-A-G. GRCh37 (hg19) VCF-style: chr10-8115891-A-G.
Other names: c.1237A>G, p.Ser413Gly (NM_002051.3); short protein forms S414G, S413G.
Identifiers: ClinVar variation 2888077 (VCV002888077.3), dbSNP rs751362056, ClinGen allele CA5404571.